The following is an entry in ClinVar:

NM_001364905.1(LRBA):c.1661_1662insGATA (p.Tyr554Ter)

Gene: LRBA (LPS responsive beige-like anchor protein; minus strand). Cytogenetic location: 4q31.3.
Variant type: Insertion.
Coding change: c.1661_1662insGATA on transcript NM_001364905.1 (MANE Select); coding-DNA positions 1661 to 1662, GATA inserted.
Protein change: p.Tyr554Ter; replaces tyrosine 554 with a stop codon.
Molecular consequence: nonsense. On other transcripts: frameshift variant (2).
Genome position: GRCh38 VCF-style: chr4-150905931-A-ATATC. GRCh37 (hg19) VCF-style: chr4-151827083-A-ATATC.
Other names: c.1658_1659insATAG, p.Tyr554Terfs (NM_001199282.3, NM_006726.5); c.1661_1662insGATA, p.Tyr554Ter (NM_001367550.1); short protein forms Y554*.
Identifiers: ClinVar variation 2074822 (VCV002074822.5), dbSNP rs748414191, ClinGen allele CA3103509.

ClinVar aggregate classification (germline): Pathogenic. Review status: criteria provided, multiple submitters, no conflicts (2 of 4 stars). 2 submissions from 2 submitters: Pathogenic (2). Last evaluated 2025-02-06.

Conditions:
LRBA-related disorder. Also called: LRBA-related condition.
Combined immunodeficiency due to LRBA deficiency. Also called: Common variable immunodeficiency 8, with autoimmunity. Identifiers: Orphanet 445018, MedGen C3553512, MONDO:0013863, OMIM 614700.

Submissions (2):

PreventionGenetics, part of Exact Sciences
Classification: Pathogenic for LRBA-related condition. Last evaluated: 2025-02-06. Review status: criteria provided, single submitter. Criteria: ACMG Guidelines, 2015. Collection method: clinical testing. Allele origin: germline.
Comment: The LRBA c.1661_1662insGATA variant is predicted to result in premature protein termination (p.Tyr554*). To our knowledge, this variant has not been reported in the ltierature. This variant is reported in 0.0080% of alleles in individuals of African descent in gnomAD. Nonsense variants in LRBA are expected to be pathogenic. This variant is interpreted as pathogenic.

Labcorp Genetics (formerly Invitae), Labcorp
Classification: Pathogenic for Combined immunodeficiency due to LRBA deficiency. Last evaluated: 2023-10-13. Review status: criteria provided, single submitter. Criteria: Invitae Variant Classification Sherloc (09022015). Collection method: clinical testing. Allele origin: germline.
Comment: This sequence change creates a premature translational stop signal (p.Tyr554*) in the LRBA gene. It is expected to result in an absent or disrupted protein product. Loss-of-function variants in LRBA are known to be pathogenic (PMID: 26206937, 26768763). This variant is present in population databases (rs748414191, gnomAD 0.008%). This variant has not been reported in the literature in individuals affected with LRBA-related conditions. ClinVar contains an entry for this variant (Variation ID: 2074822). Algorithms developed to predict the effect of sequence changes on RNA splicing suggest that this variant may create or strengthen a splice site. For these reasons, this variant has been classified as Pathogenic.

Literature cited by the submitters: PubMed 26206937 (cited by Labcorp Genetics (formerly Invitae), Labcorp); PubMed 26768763 (cited by Labcorp Genetics (formerly Invitae), Labcorp).